The following is an entry in ClinVar:

ClinVar aggregate classification (germline): Conflicting classifications of pathogenicity. Review status: criteria provided, conflicting classifications (1 of 4 stars). 3 submissions from 3 submitters: Pathogenic (2); Uncertain significance (1). Last evaluated 2022-08-20.

Conditions:
Familial X-linked hypophosphatemic vitamin D refractory rickets (XLHRD). Also called: X-Linked Hypophosphatemia; Hypophosphatemic Rickets, X-Linked Dominant; HYPOPHOSPHATEMIC VITAMIN D-RESISTANT RICKETS; Hypophosphatemia, vitamin D-resistant rickets; Vitamin D-resistant rickets, X-linked. Identifiers: Orphanet 89936, MedGen C0733682, MONDO:0010619, OMIM 307800.

Submissions (3):

Labcorp Genetics (formerly Invitae), Labcorp
Classification: Uncertain significance. Last evaluated: 2022-08-20. Review status: criteria provided, single submitter. Criteria: Invitae Variant Classification Sherloc (09022015). Collection method: clinical testing. Allele origin: germline.
Comment: In summary, the available evidence is currently insufficient to determine the role of this variant in disease. Therefore, it has been classified as a Variant of Uncertain Significance. This variant disrupts the p.Leu569 amino acid residue in PHEX. Other variant(s) that disrupt this residue have been observed in individuals with PHEX-related conditions (PMID: 33639975), which suggests that this may be a clinically significant amino acid residue. Advanced modeling of protein sequence and biophysical properties (such as structural, functional, and spatial information, amino acid conservation, physicochemical variation, residue mobility, and thermodynamic stability) performed at Invitae indicates that this missense variant is expected to disrupt PHEX protein function. ClinVar contains an entry for this variant (Variation ID: 438557). This missense change has been observed in individual(s) with clinical features of hypophosphatemic rickets (Invitae). This variant is not present in population databases (gnomAD no frequency). This sequence change replaces leucine, which is neutral and non-polar, with proline, which is neutral and non-polar, at codon 569 of the PHEX protein (p.Leu569Pro).

Mendelics
Classification: Pathogenic for Familial X-linked hypophosphatemic vitamin D refractory rickets. Last evaluated: 2022-05-04. Review status: criteria provided, single submitter. Criteria: Mendelics Assertion Criteria 2019. Collection method: clinical testing. Allele origin: germline.

Institute of Human Genetics Munich, TUM University Hospital
Classification: Pathogenic for Familial X-linked hypophosphatemic vitamin D refractory rickets. Last evaluated: 2013-11-06. Review status: criteria provided, single submitter. Criteria: Classification criteria August 2017. Collection method: clinical testing. Allele origin: germline. Inheritance: X-linked inheritance. Affected: yes. Observed: 1 heterozygote.

Literature cited by the submitters: PubMed 33639975 (cited by Labcorp Genetics (formerly Invitae), Labcorp).

NM_000444.6(PHEX):c.1706T>C (p.Leu569Pro)

Genes: PTCHD1-AS (PTCHD1 and PHEX antisense RNA; minus strand), PHEX (phosphate regulating endopeptidase X-linked; plus strand). Cytogenetic location: Xp22.11.
Variant type: single nucleotide variant.
Coding change: c.1706T>C on transcript NM_000444.6 (MANE Select); coding-DNA position 1706, T replaced by C.
Protein change: p.Leu569Pro; replaces leucine 569 with proline.
Molecular consequence: missense variant.
Genome position (GRCh38, 1-based): chrX:22,219,041, T>C. VCF-style: chrX-22219041-T-C. GRCh37 (hg19) VCF-style: chrX-22237158-T-C.
Other names: c.1706T>C, p.Leu569Pro (NM_001282754.2); short protein forms L569P.
Identifiers: ClinVar variation 438557 (VCV000438557.8), dbSNP rs1556135242, ClinGen allele CA412575727.
Genomic context (GRCh38, chrX:22,219,041, plus strand): 5'-TATGCTCTGAGATTCATGCTTGTAATTGTCTCCAAATTATGTATTAATGCCATAGATCTC[T>C]GAGTTATGGTGCTATAGGAGTAATTGTCGGACATGAATTTACACATGGATTTGATAATAA-3'
Protein context (NP_000435.3, residues 559-579): FFWGTEYPRS[Leu569Pro]SYGAIGVIVG